The following is an entry in ClinVar:

NC_000023.10:g.(?_2873437)_(2876496_?)dup

Gene: ARSL (arylsulfatase L; minus strand). Cytogenetic location: Xp22.33.
Variant type: Duplication.
Identifiers: ClinVar variation 3244452 (VCV003244452.1).

ClinVar aggregate classification (germline): Likely pathogenic (1 of 4 stars; one submission).

Conditions:
Chondrodysplasia punctata, brachytelephalangic, autosomal. Also called: BRACHYTELEPHALANGIC CHONDRODYSPLASIA PUNCTATA. Identifiers: MedGen C1844853, MONDO:0011238, OMIM 602497.

Submission:

Labcorp Genetics (formerly Invitae), Labcorp
Classification: Likely pathogenic for Chondrodysplasia punctata, brachytelephalangic, autosomal. Last evaluated: 2023-05-21. Review status: criteria provided, single submitter. Criteria: Invitae Variant Classification Sherloc (09022015). Collection method: clinical testing. Allele origin: unknown.
Comment: This variant results in a copy number gain of the genomic region encompassing exon(s) 3-4 of the ARSE gene. While the exact position of this variant cannot be determined from the data, sub-genic copy number gains are generally in tandem (PMID: 25640679). This variant is predicted to be out-of-frame, and may result in an absent or disrupted protein product. Loss-of-function variants in ARSE are known to be pathogenic (PMID: 9497243, 23470839). This variant has not been reported in the literature in individuals affected with ARSE-related conditions. In summary, the currently available evidence indicates that the variant is pathogenic, but additional data are needed to prove that conclusively. Therefore, this variant has been classified as Likely Pathogenic.

Literature cited by the submitters: PubMed 25640679; PubMed 9497243; PubMed 23470839.